The following is an entry in ClinVar:

NM_017671.5(FERMT1):c.166T>A (p.Trp56Arg)

Gene: FERMT1 (FERM domain containing kindlin 1; minus strand). Cytogenetic location: 20p12.3.
Variant type: single nucleotide variant.
Coding change: c.166T>A on transcript NM_017671.5 (MANE Select); coding-DNA position 166, T replaced by A.
Protein change: p.Trp56Arg; replaces tryptophan 56 with arginine.
Molecular consequence: missense variant.
Genome position (GRCh38, 1-based): chr20:6,116,030, A>T on the plus strand (T>A on the coding strand, the complement: FERMT1 is on the minus strand). VCF-style: chr20-6116030-A-T. GRCh37 (hg19) VCF-style: chr20-6096677-A-T.
Other names: c.166T>A (NM_017671.4); short protein forms W56R.
Identifiers: ClinVar variation 1372638 (VCV001372638.7), dbSNP rs756108637, ClinGen allele CA9758519.
Genomic context (GRCh38, chr20:6,116,030, plus strand): 5'-TCCAGTGGGTTTTCAGAAGCCAGCAATGCTTCTGTTCCCACCAAAGAGCAAAGTCTGACC[A>T]GTCTTGGGATATATCTGCAAAAATGAAAGCACAATTAAGTAAAATGAGAGAGGGCCCAGC-3'
Protein context (NP_060141.3, residues 46-66): LVEQINISQD[Trp56Arg]SDFALWWEQK

ClinVar aggregate classification (germline): Uncertain significance. Review status: criteria provided, multiple submitters, no conflicts (2 of 4 stars). 2 submissions from 2 submitters: Uncertain significance (2). Last evaluated 2022-01-18.

Conditions:
Inborn genetic diseases. Identifiers: MedGen C0950123, MeSH D030342.

Allele frequency attached by ClinVar (database versions not stated): ExAC 0.00002; gnomAD exomes 0.00003 and 0.00001.
gnomAD v4.1: 39 of 1,613,844 alleles (0.0024%); highest among the groups gnomAD compares: Non-Finnish European, 0.0033%; no homozygotes.

Submissions (2):

Ambry Genetics
Classification: Uncertain significance for Inborn genetic diseases. Last evaluated: 2022-01-18. Review status: criteria provided, single submitter. Criteria: Ambry Variant Classification Scheme 2023. Collection method: clinical testing. Allele origin: germline.

Labcorp Genetics (formerly Invitae), Labcorp
Classification: Uncertain significance. Last evaluated: 2021-07-27. Review status: criteria provided, single submitter. Criteria: Invitae Variant Classification Sherloc (09022015). Collection method: clinical testing. Allele origin: germline.
Comment: In summary, the available evidence is currently insufficient to determine the role of this variant in disease. Therefore, it has been classified as a Variant of Uncertain Significance. Algorithms developed to predict the effect of missense changes on protein structure and function (SIFT, PolyPhen-2, Align-GVGD) all suggest that this variant is likely to be disruptive. This variant has not been reported in the literature in individuals affected with FERMT1-related conditions. This variant is present in population databases (rs756108637, ExAC 0.003%). This sequence change replaces tryptophan with arginine at codon 56 of the FERMT1 protein (p.Trp56Arg). The tryptophan residue is highly conserved and there is a moderate physicochemical difference between tryptophan and arginine.